The following is an entry in ClinVar:

NM_001813.3(CENPE):c.2363A>T (p.Glu788Val)

Gene: CENPE (centromere protein E; minus strand). Cytogenetic location: 4q24.
Variant type: single nucleotide variant.
Coding change: c.2363A>T on transcript NM_001813.3 (MANE Select); coding-DNA position 2363, A replaced by T.
Protein change: p.Glu788Val; replaces glutamic acid 788 with valine.
Molecular consequence: missense variant.
Genome position (GRCh38, 1-based): chr4:103,159,248, T>A on the plus strand (A>T on the coding strand, the complement: CENPE is on the minus strand). VCF-style: chr4-103159248-T-A. GRCh37 (hg19) VCF-style: chr4-104080405-T-A.
Other names: c.2288A>T, p.Glu763Val (NM_001286734.2); short protein forms E763V, E788V.
Identifiers: ClinVar variation 1311500 (VCV001311500.2), dbSNP rs2125969837, ClinGen allele CA357784711.

ClinVar aggregate classification (germline): Uncertain significance (1 of 4 stars; one submission).

Allele frequency attached by ClinVar (database versions not stated): gnomAD exomes 0.00001.
gnomAD v4.1: 6 of 1,607,702 alleles (0.00037%); highest among the groups gnomAD compares: Non-Finnish European, 0.00051%; no homozygotes.

Submission:

GeneDx
Classification: Uncertain significance. Last evaluated: 2020-02-04. Review status: criteria provided, single submitter. Criteria: GeneDx Variant Classification Process June 2021. Collection method: clinical testing. Allele origin: germline. Affected: yes.
Comment: Not observed in large population cohorts (Lek et al., 2016); In silico analysis supports that this missense variant has a deleterious effect on protein structure/function; Has not been previously published as pathogenic or benign to our knowledge